The following is an entry in ClinVar:

ClinVar aggregate classification (germline): Uncertain significance (1 of 4 stars; one submission).

Conditions:
Cardiovascular phenotype. Identifiers: MedGen CN230736.

Submission:

Ambry Genetics
Classification: Uncertain significance for Cardiovascular phenotype. Last evaluated: 2021-05-28. Review status: criteria provided, single submitter. Criteria: Ambry Variant Classification Scheme 2023. Collection method: clinical testing. Allele origin: germline.
Comment: The p.Q243* variant (also known as c.727C>T), located in coding exon 1 of the KCNJ5 gene, results from a C to T substitution at nucleotide position 727. This changes the amino acid from a glutamine to a stop codon within coding exon 1. This alteration is expected to result in premature protein truncation or nonsense-mediated mRNA decay. However, loss of function of KCNJ5 has not been clearly established as a mechanism of disease. Since supporting evidence is limited at this time, the clinical significance of this alteration remains unclear.

NM_000890.5(KCNJ5):c.727C>T (p.Gln243Ter)

Gene: KCNJ5 (potassium inwardly rectifying channel subfamily J member 5; plus strand). Cytogenetic location: 11q24.3.
Variant type: single nucleotide variant.
Coding change: c.727C>T on transcript NM_000890.5 (MANE Select); coding-DNA position 727, C replaced by T.
Protein change: p.Gln243Ter; replaces glutamine 243 with a stop codon.
Molecular consequence: nonsense.
Genome position (GRCh38, 1-based): chr11:128,912,000, C>T. VCF-style: chr11-128912000-C-T. GRCh37 (hg19) VCF-style: chr11-128781895-C-T.
Other names: c.727C>T, p.Gln243Ter (NM_001354169.2); short protein forms Q243*.
Identifiers: ClinVar variation 1758057 (VCV001758057.2), dbSNP rs2497724619, ClinGen allele CA383249839.
Genomic context (GRCh38, chr11:128,912,000, plus strand): 5'-GACCTCCGCAACTCCCACATCGTGGAGGCCTCCATCCGGGCCAAGCTCATCAAGTCCCGG[C>T]AGACCAAAGAGGGGGAGTTCATCCCCCTGAACCAGACAGACATCAACGTGGGCTTTGACA-3'